The following is an entry in ClinVar:

ClinVar aggregate classification (germline): Uncertain significance (1 of 4 stars; one submission).

Submission:

Labcorp Genetics (formerly Invitae), Labcorp
Classification: Uncertain significance. Last evaluated: 2022-06-17. Review status: criteria provided, single submitter. Criteria: Invitae Variant Classification Sherloc (09022015). Collection method: clinical testing. Allele origin: germline.
Comment: This sequence change replaces proline, which is neutral and non-polar, with leucine, which is neutral and non-polar, at codon 3168 of the HMCN1 protein (p.Pro3168Leu). In summary, the available evidence is currently insufficient to determine the role of this variant in disease. Therefore, it has been classified as a Variant of Uncertain Significance. This variant is not present in population databases (gnomAD no frequency). This variant has not been reported in the literature in individuals affected with HMCN1-related conditions. Algorithms developed to predict the effect of missense changes on protein structure and function are either unavailable or do not agree on the potential impact of this missense change (SIFT: "Deleterious"; PolyPhen-2: "Probably Damaging"; Align-GVGD: "Class C15").

NM_031935.3(HMCN1):c.9503C>T (p.Pro3168Leu)

Gene: HMCN1 (hemicentin 1; plus strand). Cytogenetic location: 1q31.1.
Variant type: single nucleotide variant.
Coding change: c.9503C>T on transcript NM_031935.3 (MANE Select); coding-DNA position 9503, C replaced by T.
Protein change: p.Pro3168Leu; replaces proline 3168 with leucine.
Molecular consequence: missense variant.
Genome position (GRCh38, 1-based): chr1:186,088,202, C>T. VCF-style: chr1-186088202-C-T. GRCh37 (hg19) VCF-style: chr1-186057334-C-T.
Other names: short protein forms P3168L.
Identifiers: ClinVar variation 2111215 (VCV002111215.4), dbSNP rs2527899481, ClinGen allele CA343921436.